The following is an entry in ClinVar:

NM_004064.5(CDKN1B):c.572C>T (p.Pro191Leu)

Gene: CDKN1B (cyclin dependent kinase inhibitor 1B; plus strand). Cytogenetic location: 12p13.1.
Variant type: single nucleotide variant.
Coding change: c.572C>T on transcript NM_004064.5 (MANE Select); coding-DNA position 572, C replaced by T.
Protein change: p.Pro191Leu; replaces proline 191 with leucine.
Molecular consequence: missense variant.
Genome position (GRCh38, 1-based): chr12:12,718,921, C>T. VCF-style: chr12-12718921-C-T. GRCh37 (hg19) VCF-style: chr12-12871855-C-T.
Other names: short protein forms P191L.
Identifiers: ClinVar variation 2585897 (VCV002585897.3), dbSNP rs1946513297, ClinGen allele CA383973168.

ClinVar aggregate classification (germline): Uncertain significance. Review status: criteria provided, multiple submitters, no conflicts (2 of 4 stars). 2 submissions from 2 submitters: Uncertain significance (2). Last evaluated 2025-03-24.

Conditions:
Hereditary cancer-predisposing syndrome. Also called: Tumor predisposition; Neoplastic Syndromes, Hereditary; Hereditary Cancer Syndrome; Hereditary neoplastic syndrome. Identifiers: Orphanet 140162, MedGen C0027672, MeSH D009386, MONDO:0015356.
Multiple endocrine neoplasia type 4. Also called: MULTIPLE ENDOCRINE NEOPLASIA, TYPE IV. Identifiers: Orphanet 276152, MedGen C1970712, MONDO:0012552, OMIM 610755.

Allele frequency attached by ClinVar (database versions not stated): gnomAD exomes below 0.00001.

Submissions (2):

Labcorp Genetics (formerly Invitae), Labcorp
Classification: Uncertain significance for Multiple endocrine neoplasia type 4. Last evaluated: 2025-03-24. Review status: criteria provided, single submitter. Criteria: Invitae Variant Classification Sherloc (09022015). Collection method: clinical testing. Allele origin: germline.
Comment: This sequence change replaces proline, which is neutral and non-polar, with leucine, which is neutral and non-polar, at codon 191 of the CDKN1B protein (p.Pro191Leu). This variant is not present in population databases (gnomAD no frequency). This variant has not been reported in the literature in individuals affected with CDKN1B-related conditions. ClinVar contains an entry for this variant (Variation ID: 2585897). An algorithm developed to predict the effect of missense changes on protein structure and function (PolyPhen-2) suggests that this variant is likely to be disruptive. In summary, the available evidence is currently insufficient to determine the role of this variant in disease. Therefore, it has been classified as a Variant of Uncertain Significance.

Ambry Genetics
Classification: Uncertain significance for Hereditary cancer-predisposing syndrome. Last evaluated: 2023-07-29. Review status: criteria provided, single submitter. Criteria: Ambry Variant Classification Scheme 2023. Collection method: clinical testing. Allele origin: germline.
Comment: The p.P191L variant (also known as c.572C>T), located in coding exon 2 of the CDKN1B gene, results from a C to T substitution at nucleotide position 572. The proline at codon 191 is replaced by leucine, an amino acid with similar properties. This amino acid position is conserved. In addition, this alteration is predicted to be tolerated by in silico analysis. Since supporting evidence is limited at this time, the clinical significance of this alteration remains unclear.